The following is an entry in ClinVar:

ClinVar aggregate classification (germline): Pathogenic/Likely pathogenic. Review status: criteria provided, multiple submitters, no conflicts (2 of 4 stars). 6 submissions from 6 submitters: Pathogenic (4); Likely pathogenic (2). Last evaluated 2026-02-27.

Conditions:
Cardiovascular phenotype. Identifiers: MedGen CN230736.
Hereditary cancer-predisposing syndrome. Also called: Neoplastic Syndromes, Hereditary; Tumor predisposition; Hereditary Cancer Syndrome; Hereditary neoplastic syndrome. Identifiers: Orphanet 140162, MedGen C0027672, MeSH D009386, MONDO:0015356.
Noonan syndrome 2 (NS2). Identifiers: Orphanet 648, MedGen C1854469, MONDO:0011531, OMIM 605275.
LZTR1-related disorder. Also called: LZTR1-related disorders; LZTR1-related condition.

Submissions (6):

Genomic Medicine Lab, University of California San Francisco
Classification: Pathogenic for Noonan syndrome 2. Last evaluated: 2026-02-27. Review status: criteria provided, single submitter. Criteria: ACMG Guidelines, 2015. Collection method: clinical testing. Allele origin: unknown. Inheritance: Autosomal dominant inheritance. Study: CSER.

Ambry Genetics
Classification: Pathogenic for Cardiovascular phenotype; Hereditary cancer-predisposing syndrome. Last evaluated: 2025-01-27. Review status: criteria provided, single submitter. Criteria: Ambry Variant Classification Scheme 2023. Collection method: clinical testing. Allele origin: germline.
Comment: The c.955delC variant, located in coding exon 9 of the LZTR1 gene, results from a deletion of one nucleotide at nucleotide position 955, causing a translational frameshift with a predicted alternate stop codon (p.Q319Rfs*32). This alteration is expected to result in loss of function by premature protein truncation or nonsense-mediated mRNA decay. Loss-of-function variants in LZTR1 are related to an increased risk for schwannomas and autosomal recessive Noonan syndrome; however, such associations with autosomal dominant Noonan syndrome have not been observed (Piotrowski A et al. Nat Genet. 2014 Feb;46:182-7; Yamamoto GL et al. J Med Genet. 2015 Jun;52:413-21; Johnston JJ et al. Genet Med. 2018 10;20:1175-1185). Based on the supporting evidence, this variant is pathogenic for an increased risk of LZTR1-related schwannomatosis (SWN) and would be expected to cause autosomal recessive Noonan syndrome when present along with a second pathogenic or likely pathogenic variant on the other allele; however, the association of this alteration with autosomal dominant Noonan syndrome is unlikely.

Labcorp Genetics (formerly Invitae), Labcorp
Classification: Pathogenic. Last evaluated: 2024-12-09. Review status: criteria provided, single submitter. Criteria: Invitae Variant Classification Sherloc (09022015). Collection method: clinical testing. Allele origin: germline.
Comment: This sequence change creates a premature translational stop signal (p.Gln319Argfs*32) in the LZTR1 gene. It is expected to result in an absent or disrupted protein product. Loss-of-function variants in LZTR1 are known to be pathogenic (PMID: 24362817, 25335493, 25480913, 25795793, 29469822, 30368668, 30442762, 30442766, 30481304, 30859559). This variant is present in population databases (no rsID available, gnomAD 0.003%). This variant has not been reported in the literature in individuals affected with LZTR1-related conditions. ClinVar contains an entry for this variant (Variation ID: 816896). For these reasons, this variant has been classified as Pathogenic.

Women's Health and Genetics/Laboratory Corporation of America, LabCorp
Classification: Pathogenic for Noonan syndrome 2. Last evaluated: 2024-04-01. Review status: criteria provided, single submitter. Criteria: LabCorp Variant Classification Summary - May 2015. Collection method: clinical testing. Allele origin: germline.
Comment: Variant summary: LZTR1 c.955delC (p.Gln319ArgfsX32) results in a premature termination codon, predicted to cause a truncation of the encoded protein or absence of the protein due to nonsense mediated decay, which are commonly known mechanisms for disease. The variant allele was found at a frequency of 1.3e-05 in 157692 control chromosomes (gnomAD v2.1). To our knowledge, no occurrence of c.955delC in individuals affected with Noonan Syndrome 2 and no experimental evidence demonstrating its impact on protein function have been reported. ClinVar contains an entry for this variant (Variation ID: 816896). Germline loss of function mutations in LZTR1 have been reported to predispose to an inherited disorder of multiple schwannomas (Piotrowski_2014) and recessive Noonan syndrome (Johnston_2018). Based on the evidence outlined above, the variant was classified as pathogenic for the risk of multiple schwannomas and recessive Noonan syndrome and as a variant of uncertain clinical significance for dominant Noonan syndrome.

GeneDx
Classification: Likely pathogenic. Last evaluated: 2022-06-16. Review status: criteria provided, single submitter. Criteria: GeneDx Variant Classification Process June 2021. Collection method: clinical testing. Allele origin: germline. Affected: yes.
Comment: Frameshift variant predicted to result in protein truncation or nonsense mediated decay in a gene for which loss-of-function is a known mechanism of disease; Has not been previously published as pathogenic or benign to our knowledge; Not observed at significant frequency in large population cohorts (gnomAD)

Blueprint Genetics
Classification: Likely pathogenic for LZTR1-related disorders. Last evaluated: 2021-01-20. Review status: criteria provided, single submitter. Criteria: ACMG Guidelines, 2015. Collection method: clinical testing. Allele origin: germline. Affected: yes. Observed: 1 variant allele.

Literature cited by the submitters: PubMed 24362817 (cited by Labcorp Genetics (formerly Invitae), Labcorp); PubMed 25335493 (cited by Labcorp Genetics (formerly Invitae), Labcorp); PubMed 25480913 (cited by Labcorp Genetics (formerly Invitae), Labcorp); PubMed 25795793 (cited by Labcorp Genetics (formerly Invitae), Labcorp); PubMed 29469822 (cited by Labcorp Genetics (formerly Invitae), Labcorp); PubMed 30368668 (cited by Labcorp Genetics (formerly Invitae), Labcorp); PubMed 30442762 (cited by Labcorp Genetics (formerly Invitae), Labcorp); PubMed 30442766 (cited by Labcorp Genetics (formerly Invitae), Labcorp); PubMed 30481304 (cited by Labcorp Genetics (formerly Invitae), Labcorp); PubMed 30859559 (cited by Labcorp Genetics (formerly Invitae), Labcorp).

NM_006767.4(LZTR1):c.955del (p.Gln319fs)

Gene: LZTR1 (leucine zipper like post translational regulator 1; plus strand). Cytogenetic location: 22q11.21.
Variant type: Deletion.
Coding change: c.955del on transcript NM_006767.4 (MANE Select); coding-DNA position 955, one base deleted (C; older notation c.955delC).
Protein change: p.Gln319fs; shifts the reading frame from glutamine 319.
Molecular consequence: frameshift variant.
Genome position (GRCh38, 1-based): chr22:20,991,791, C deleted; the last of 2 consecutive C bases (chr22:20,991,790-20,991,791); deleting either gives the same sequence. VCF-style (leftmost placement, unchanged base first): chr22-20991789-TC-T. GRCh37 (hg19) VCF-style: chr22-21346078-TC-T.
Other names: c.955delC (NM_006767.4); short protein forms Q319fs.
Identifiers: ClinVar variation 816896 (VCV000816896.14), dbSNP rs1386054181, ClinGen allele CA638942446.